The following is an entry in ClinVar:

NM_007294.4(BRCA1):c.506A>C (p.Gln169Pro)

Gene: BRCA1 (BRCA1 DNA repair associated; minus strand). Cytogenetic location: 17q21.31.
Variant type: single nucleotide variant.
Coding change: c.506A>C on transcript NM_007294.4 (MANE Select); coding-DNA position 506, A replaced by C.
Protein change: p.Gln169Pro; replaces glutamine 169 with proline.
Molecular consequence: missense variant. On other transcripts: non-coding transcript variant (1).
Genome position (GRCh38, 1-based): chr17:43,099,816, T>G on the plus strand (A>C on the coding strand, the complement: BRCA1 is on the minus strand). VCF-style: chr17-43099816-T-G. GRCh37 (hg19) VCF-style: chr17-41251833-T-G.
Other names: c.293A>C, p.Gln98Pro (NM_001407571.1, NM_001407853.1, NM_001407894.1 and 18 more transcripts); c.506A>C, p.Gln169Pro (NM_001407581.1, NM_001407582.1, NM_001407583.1 and 97 more transcripts); c.503A>C, p.Gln168Pro (NM_001407587.1, NM_001407590.1, NM_001407591.1 and 65 more transcripts); c.497A>C, p.Gln166Pro (NM_001407646.1, NM_001407647.1, NM_001408408.1); c.428A>C, p.Gln143Pro (NM_001407653.1, NM_001407654.1, NM_001407655.1 and 12 more transcripts); c.425A>C, p.Gln142Pro (NM_001407659.1, NM_001407660.1, NM_001407661.1 and 6 more transcripts); c.365A>C, p.Gln122Pro (NM_001407692.1, NM_001407694.1, NM_001407695.1 and 61 more transcripts); c.362A>C, p.Gln121Pro (NM_001407740.1, NM_001407741.1, NM_001407742.1 and 35 more transcripts); and 4 more; short protein forms Q169P, Q122P, Q124P, Q41P, Q98P, Q142P, Q166P, Q168P.
Identifiers: ClinVar variation 136087 (VCV000136087.6), dbSNP rs587780803, ClinGen allele CA003185.

ClinVar aggregate classification (germline): Uncertain significance. Review status: criteria provided, single submitter (1 of 4 stars). 2 submissions from 2 submitters: Uncertain significance (1). 1 of the submissions does not count toward it. Last evaluated 2018-01-12.

Conditions:
Hereditary breast ovarian cancer syndrome. Also called: Hereditary breast and/or ovarian cancer syndrome; Breast and ovarian cancer; Hereditary breast and ovarian cancer syndrome; Hereditary breast and ovarian cancer; Hereditary breast and ovarian cancer syndrome (HBOC); BRCA1- and BRCA2-Associated Hereditary Breast and Ovarian Cancer. Identifiers: Orphanet 145, MedGen C0677776, MeSH D061325, MONDO:0003582. Disease mechanism: loss of function.
Breast-ovarian cancer, familial, susceptibility to, 1 (BROVCA1). Also called: BRCA1 Hereditary Breast and Ovarian Cancer; OVARIAN CANCER, SUSCEPTIBILITY TO. Identifiers: Orphanet 145, MedGen C2676676, MONDO:0011450, OMIM 604370. Disease mechanism: loss of function.

Submissions (2):

Illumina Laboratory Services, Illumina
Classification: Uncertain significance for Breast-ovarian cancer, familial, susceptibility to, 1. Last evaluated: 2018-01-12. Review status: criteria provided, single submitter. Criteria: ICSL Variant Classification Criteria 13 December 2019. Collection method: clinical testing. Allele origin: germline.

Labcorp Genetics (formerly Invitae), Labcorp
Classification: Uncertain significance for BRCA1 and BRCA2 Hereditary Breast and Ovarian Cancer. Last evaluated: 2014-06-11. Review status: no assertion criteria provided. Collection method: clinical testing. Allele origin: germline. Not counted in ClinVar's aggregate classification.
Comment: The interpretation for this sequence variant was made by Invitae based on the ACMG guidelines.